The following is an entry in ClinVar:

NM_032043.3(BRIP1):c.1996A>G (p.Asn666Asp)

Gene: BRIP1 (BRCA1 interacting DNA helicase 1; minus strand). Cytogenetic location: 17q23.2.
Variant type: single nucleotide variant.
Coding change: c.1996A>G on transcript NM_032043.3 (MANE Select); coding-DNA position 1996, A replaced by G.
Protein change: p.Asn666Asp; replaces asparagine 666 with aspartic acid.
Molecular consequence: missense variant.
Genome position (GRCh38, 1-based): chr17:61,776,502, T>C on the plus strand (A>G on the coding strand, the complement: BRIP1 is on the minus strand). VCF-style: chr17-61776502-T-C. GRCh37 (hg19) VCF-style: chr17-59853863-T-C.
Other names: short protein forms N666D.
Identifiers: ClinVar variation 929547 (VCV000929547.10), dbSNP rs765816425, ClinGen allele CA8690608.

ClinVar aggregate classification (germline): Uncertain significance. Review status: criteria provided, multiple submitters, no conflicts (2 of 4 stars). 3 submissions from 3 submitters: Uncertain significance (2). 1 of the submissions does not count toward it. Last evaluated 2024-06-04.

Conditions:
Fanconi anemia complementation group J. Also called: BRIP1-Related Fanconi Anemia. Identifiers: Orphanet 84, MedGen C1836860, MONDO:0012187, OMIM 609054.
Familial cancer of breast. Also called: BREAST CANCER, FAMILIAL; hereditary breast carcinoma; Hereditary breast cancer. Identifiers: Orphanet 227535, MedGen C0346153, MONDO:0016419, OMIM 114480. Disease mechanism: loss of function.
Hereditary cancer-predisposing syndrome. Also called: Tumor predisposition; Hereditary neoplastic syndrome; Neoplastic Syndromes, Hereditary; Hereditary Cancer Syndrome. Identifiers: Orphanet 140162, MedGen C0027672, MeSH D009386, MONDO:0015356.

Allele frequency attached by ClinVar (database versions not stated): gnomAD exomes below 0.00001; ExAC 0.00001.
gnomAD v4.1: 1 of 1,614,162 alleles (0.000062%); highest among the groups gnomAD compares: East Asian, 0.0022%; no homozygotes.

Submissions (3):

Labcorp Genetics (formerly Invitae), Labcorp
Classification: Uncertain significance for Familial cancer of breast; Fanconi anemia complementation group J. Last evaluated: 2024-06-04. Review status: criteria provided, single submitter. Criteria: Invitae Variant Classification Sherloc (09022015). Collection method: clinical testing. Allele origin: germline.
Comment: This sequence change replaces asparagine, which is neutral and polar, with aspartic acid, which is acidic and polar, at codon 666 of the BRIP1 protein (p.Asn666Asp). This variant is present in population databases (rs765816425, gnomAD 0.006%). This missense change has been observed in individual(s) with prostate cancer (PMID: 31214711). ClinVar contains an entry for this variant (Variation ID: 929547). Advanced modeling of protein sequence and biophysical properties (such as structural, functional, and spatial information, amino acid conservation, physicochemical variation, residue mobility, and thermodynamic stability) performed at Invitae indicates that this missense variant is not expected to disrupt BRIP1 protein function with a negative predictive value of 80%. In summary, the available evidence is currently insufficient to determine the role of this variant in disease. Therefore, it has been classified as a Variant of Uncertain Significance.

Ambry Genetics
Classification: Uncertain significance for Hereditary cancer-predisposing syndrome. Last evaluated: 2020-11-24. Review status: criteria provided, single submitter. Criteria: Ambry Variant Classification Scheme 2023. Collection method: clinical testing. Allele origin: germline.
Comment: The p.N666D variant (also known as c.1996A>G), located in coding exon 13 of the BRIP1 gene, results from an A to G substitution at nucleotide position 1996. The asparagine at codon 666 is replaced by aspartic acid, an amino acid with highly similar properties. This amino acid position is poorly conserved in available vertebrate species. In addition, this alteration is predicted to be tolerated by in silico analysis. Since supporting evidence is limited at this time, the clinical significance of this alteration remains unclear.

Leiden Open Variation Database
Classification: Uncertain significance. Last evaluated: 2019-08-13. Review status: no assertion criteria provided. Collection method: curation. Allele origin: germline. Affected: yes. Not counted in ClinVar's aggregate classification.
Comment: Curator: Arleen D. Auerbach. Submitter to LOVD: Yukihide Momozawa.

Literature cited by the submitters: PubMed 31214711 (cited by Labcorp Genetics (formerly Invitae), Labcorp and Leiden Open Variation Database).